The following is an entry in ClinVar:

NM_001378457.1(DMXL2):c.6550C>T (p.Gln2184Ter)

Gene: DMXL2 (Dmx like 2; minus strand). Cytogenetic location: 15q21.2.
Variant type: single nucleotide variant.
Coding change: c.6550C>T on transcript NM_001378457.1 (MANE Select); coding-DNA position 6550, C replaced by T.
Protein change: p.Gln2184Ter; replaces glutamine 2184 with a stop codon.
Molecular consequence: nonsense. On other transcripts: non-coding transcript variant (2).
Genome position (GRCh38, 1-based): chr15:51,480,556, G>A on the plus strand (C>T on the coding strand, the complement: DMXL2 is on the minus strand). VCF-style: chr15-51480556-G-A. GRCh37 (hg19) VCF-style: chr15-51772753-G-A.
Other names: c.6550C>T, p.Gln2184Ter (NM_001174116.3, NM_001378458.1, NM_001378459.1 and 4 more transcripts); c.4642C>T, p.Gln1548Ter (NM_001174117.3); c.4531C>T, p.Gln1511Ter (NM_001378460.1); c.6310C>T, p.Gln2104Ter (NM_001378464.1); short protein forms Q1511*, Q1548*, Q2184*, Q2104*.
Identifiers: ClinVar variation 4722113 (VCV004722113.1).

ClinVar aggregate classification (germline): Pathogenic (1 of 4 stars; one submission).

Submission:

Labcorp Genetics (formerly Invitae), Labcorp
Classification: Pathogenic. Last evaluated: 2025-11-06. Review status: criteria provided, single submitter. Criteria: Invitae Variant Classification Sherloc (09022015). Collection method: clinical testing. Allele origin: germline.
Comment: This sequence change creates a premature translational stop signal (p.Gln2184*) in the DMXL2 gene. It is expected to result in an absent or disrupted protein product. Loss-of-function variants in DMXL2 are known to be pathogenic (PMID: 30237576, 31688942). This variant is not present in population databases (gnomAD no frequency). This variant has not been reported in the literature in individuals affected with DMXL2-related conditions. Algorithms developed to predict the effect of sequence changes on RNA splicing suggest that this variant may disrupt the consensus splice site. For these reasons, this variant has been classified as Pathogenic.

Literature cited by the submitters: PubMed 30237576; PubMed 31688942.